The following is an entry in ClinVar:

ClinVar aggregate classification (germline): Uncertain significance. Review status: criteria provided, multiple submitters, no conflicts (2 of 4 stars). 2 submissions from 2 submitters: Uncertain significance (2). Last evaluated 2025-06-12.

Conditions:
Inborn genetic diseases. Identifiers: MedGen C0950123, MeSH D030342.

Allele frequency attached by ClinVar (database versions not stated): ExAC 0.00002; TOPMed below 0.00001; gnomAD 0.00001.
gnomAD v4.1: 12 of 1,614,086 alleles (0.00074%); highest among the groups gnomAD compares: East Asian, 0.022%; no homozygotes.

Submissions (2):

Labcorp Genetics (formerly Invitae), Labcorp
Classification: Uncertain significance. Last evaluated: 2025-06-12. Review status: criteria provided, single submitter. Criteria: Invitae Variant Classification Sherloc (09022015). Collection method: clinical testing. Allele origin: germline.
Comment: This sequence change replaces leucine, which is neutral and non-polar, with tryptophan, which is neutral and slightly polar, at codon 558 of the SCNN1B protein (p.Leu558Trp). This variant is present in population databases (rs754979542, gnomAD 0.02%). This variant has not been reported in the literature in individuals affected with SCNN1B-related conditions. ClinVar contains an entry for this variant (Variation ID: 2134429). Invitae Evidence Modeling of protein sequence and biophysical properties (such as structural, functional, and spatial information, amino acid conservation, physicochemical variation, residue mobility, and thermodynamic stability) indicates that this missense variant is not expected to disrupt SCNN1B protein function with a negative predictive value of 80%. In summary, the available evidence is currently insufficient to determine the role of this variant in disease. Therefore, it has been classified as a Variant of Uncertain Significance.

Ambry Genetics
Classification: Uncertain significance for Inborn genetic diseases. Last evaluated: 2021-07-06. Review status: criteria provided, single submitter. Criteria: Ambry Variant Classification Scheme 2023. Collection method: clinical testing. Allele origin: germline.

NM_000336.3(SCNN1B):c.1673T>G (p.Leu558Trp)

Gene: SCNN1B (sodium channel epithelial 1 subunit beta; plus strand). Cytogenetic location: 16p12.2.
Variant type: single nucleotide variant.
Coding change: c.1673T>G on transcript NM_000336.3 (MANE Select); coding-DNA position 1673, T replaced by G.
Protein change: p.Leu558Trp; replaces leucine 558 with tryptophan.
Molecular consequence: missense variant.
Genome position (GRCh38, 1-based): chr16:23,380,551, T>G. VCF-style: chr16-23380551-T-G. GRCh37 (hg19) VCF-style: chr16-23391872-T-G.
Other names: c.1565T>G, p.Leu522Trp (NM_001410900.1); short protein forms L558W, L522W.
Identifiers: ClinVar variation 2134429 (VCV002134429.5), dbSNP rs754979542, ClinGen allele CA7960602.